The following is an entry in ClinVar:

NM_145166.4(ZBTB47):c.1717G>A (p.Glu573Lys)

Gene: ZBTB47 (zinc finger and BTB domain containing 47; plus strand). Cytogenetic location: 3p22.1.
Variant type: single nucleotide variant.
Coding change: c.1717G>A on transcript NM_145166.4 (MANE Select); coding-DNA position 1717, G replaced by A.
Protein change: p.Glu573Lys; replaces glutamic acid 573 with lysine.
Molecular consequence: missense variant.
Genome position (GRCh38, 1-based): chr3:42,663,107, G>A. VCF-style: chr3-42663107-G-A. GRCh37 (hg19) VCF-style: chr3-42704599-G-A.
Other names: c.1801G>A, p.Glu601Lys (NM_001410746.1); short protein forms E573K, E601K.
Identifiers: ClinVar variation 4690087 (VCV004690087.1).
Genomic context (GRCh38, chr3:42,663,107, plus strand): 5'-TGCGGAAAGTCCTTCAAGCGCAGCATGTCCCTCAAGGTGCACTCACTGCAGCACTCAGGG[G>A]AGAAGCCGTTCAGATGTGAGGTGAGCTTCCATCTCCTGCCTGGCCTGCCCGAGGGGTCAC-3'
Protein context (NP_660149.2, residues 563-583): LKVHSLQHSG[Glu573Lys]KPFRCENCNE

ClinVar aggregate classification (germline): Uncertain significance (1 of 4 stars; one submission).

Submission:

GeneDx
Classification: Uncertain significance. Last evaluated: 2025-07-28. Review status: criteria provided, single submitter. Criteria: GeneDx Variant Classification Process June 2021. Collection method: clinical testing. Allele origin: germline. Affected: yes.
Comment: Not observed at significant frequency in large population cohorts (gnomAD); In silico analysis supports that this missense variant has a deleterious effect on protein structure/function; Has not been previously published as pathogenic or benign to our knowledge